The following is an entry in ClinVar:

NM_001330078.2(NRXN1):c.2666A>G (p.Asp889Gly)

Gene: NRXN1 (neurexin 1; minus strand). Cytogenetic location: 2p16.3.
Variant type: single nucleotide variant.
Coding change: c.2666A>G on transcript NM_001330078.2 (MANE Select); coding-DNA position 2666, A replaced by G.
Protein change: p.Asp889Gly; replaces aspartic acid 889 with glycine.
Molecular consequence: missense variant.
Genome position (GRCh38, 1-based): chr2:50,497,546, T>C on the plus strand (A>G on the coding strand, the complement: NRXN1 is on the minus strand). VCF-style: chr2-50497546-T-C. GRCh37 (hg19) VCF-style: chr2-50724684-T-C.
Other names: c.2786A>G, p.Asp929Gly (NM_001135659.3); c.2642A>G, p.Asp881Gly (NM_001330077.2, NM_001330082.2); c.2600A>G, p.Asp867Gly (NM_001330083.2, NM_001330084.2); c.2639A>G, p.Asp880Gly (NM_001330085.2); c.2666A>G, p.Asp889Gly (NM_001330086.2, NM_004801.6); c.2555A>G, p.Asp852Gly (NM_001330087.2, NM_001330096.2); c.2585A>G, p.Asp862Gly (NM_001330088.2); c.2663A>G, p.Asp888Gly (NM_001330093.2); and 2 more; short protein forms D852G, D862G, D867G, D872G, D880G, D881G, D885G, D888G.
Identifiers: ClinVar variation 3360979 (VCV003360979.1).

ClinVar aggregate classification (germline): Uncertain significance (1 of 4 stars; one submission).

gnomAD v4.1: 1 of 1,613,934 alleles (0.000062%); highest among the groups gnomAD compares: Non-Finnish European, 0.000085%; no homozygotes.

Submission:

GeneDx
Classification: Uncertain significance. Last evaluated: 2023-07-17. Review status: criteria provided, single submitter. Criteria: GeneDx Variant Classification Process June 2021. Collection method: clinical testing. Allele origin: germline. Affected: yes.
Comment: Not observed at significant frequency in large population cohorts (gnomAD); In silico analysis supports that this missense variant has a deleterious effect on protein structure/function; Has not been previously published as pathogenic or benign to our knowledge